The following is an entry in ClinVar:

NM_032119.4(ADGRV1):c.1374T>A (p.Phe458Leu)

Gene: ADGRV1 (adhesion G protein-coupled receptor V1; plus strand). Cytogenetic location: 5q14.3.
Variant type: single nucleotide variant.
Coding change: c.1374T>A on transcript NM_032119.4 (MANE Select); coding-DNA position 1374, T replaced by A.
Protein change: p.Phe458Leu; replaces phenylalanine 458 with leucine.
Molecular consequence: missense variant. On other transcripts: non-coding transcript variant (1).
Genome position (GRCh38, 1-based): chr5:90,628,697, T>A. VCF-style: chr5-90628697-T-A. GRCh37 (hg19) VCF-style: chr5-89924514-T-A.
Other names: c.1374T>A (NM_032119.3); short protein forms F458L.
Identifiers: ClinVar variation 198913 (VCV000198913.14), dbSNP rs373868639, ClinGen allele CA247815.

ClinVar aggregate classification (germline): Conflicting classifications of pathogenicity. Review status: criteria provided, conflicting classifications (1 of 4 stars). 4 submissions from 4 submitters: Uncertain significance (1); Likely benign (3). Last evaluated 2026-01-24.

Conditions:
ADGRV1-related disorder. Also called: ADGRV1-related condition; ADGRV1-related disorders.

Allele frequency attached by ClinVar (database versions not stated): gnomAD 0.00007 and 0.00013; TOPMed 0.00007; ESP Exome Variant Server 0.00008; gnomAD exomes 0.00020 and 0.00042; 1000 Genomes Project 30x 0.00031; 1000 Genomes Project 0.00040; ExAC 0.00040.
gnomAD v4.1: 324 of 1,614,018 alleles (0.02%); highest among the groups gnomAD compares: Middle Eastern, 0.26%; 2 homozygotes.

Submissions (4):

Labcorp Genetics (formerly Invitae), Labcorp
Classification: Likely benign. Last evaluated: 2026-01-24. Review status: criteria provided, single submitter. Criteria: Invitae Variant Classification Sherloc (09022015). Collection method: clinical testing. Allele origin: germline.

PreventionGenetics, part of Exact Sciences
Classification: Likely benign for ADGRV1-related condition. Last evaluated: 2025-05-28. Review status: criteria provided, single submitter. Criteria: ACMG Guidelines, 2015. Collection method: clinical testing. Allele origin: germline.
Comment: This variant is classified as likely benign based on ACMG/AMP sequence variant interpretation guidelines (Richards et al. 2015 PMID: 25741868, with internal and published modifications).

Blueprint Genetics
Classification: Likely benign. Last evaluated: 2024-11-18. Review status: criteria provided, single submitter. Criteria: ACMG Guidelines, 2015. Collection method: clinical testing. Allele origin: germline.

Eurofins Ntd Llc (ga)
Classification: Uncertain significance. Last evaluated: 2017-01-13. Review status: criteria provided, single submitter. Criteria: EGL Classification Definitions 2015. Collection method: clinical testing. Allele origin: germline. Observed: 4 variant alleles, 4 heterozygotes.